The following is an entry in ClinVar:

NM_020975.6(RET):c.104C>G (p.Ala35Gly)

Gene: RET (ret proto-oncogene; plus strand). Cytogenetic location: 10q11.21.
Variant type: single nucleotide variant.
Coding change: c.104C>G on transcript NM_020975.6 (MANE Select); coding-DNA position 104, C replaced by G.
Protein change: p.Ala35Gly; replaces alanine 35 with glycine.
Molecular consequence: missense variant. On other transcripts: intron variant (4).
Genome position (GRCh38, 1-based): chr10:43,100,489, C>G. VCF-style: chr10-43100489-C-G. GRCh37 (hg19) VCF-style: chr10-43595937-C-G.
Other names: c.104C>G, p.Ala35Gly (NM_000323.2, NM_001406743.1, NM_001406744.1 and 34 more transcripts); c.74-8542C>G (NM_001406784.1); c.74-11610C>G (NM_001406794.1, NM_001406792.1, NM_001406793.1); short protein forms A35G.
Identifiers: ClinVar variation 2561470 (VCV002561470.2), dbSNP rs1220655426, ClinGen allele CA376770098.

ClinVar aggregate classification (germline): Uncertain significance (1 of 4 stars; one submission).

Conditions:
Hereditary cancer-predisposing syndrome. Also called: Neoplastic Syndromes, Hereditary; Hereditary Cancer Syndrome; Hereditary neoplastic syndrome; Tumor predisposition. Identifiers: Orphanet 140162, MedGen C0027672, MeSH D009386, MONDO:0015356.

Submission:

Ambry Genetics
Classification: Uncertain significance for Hereditary cancer-predisposing syndrome. Last evaluated: 2023-05-11. Review status: criteria provided, single submitter. Criteria: Ambry Variant Classification Scheme 2023. Collection method: clinical testing. Allele origin: germline.
Comment: The p.A35G variant (also known as c.104C>G), located in coding exon 2 of the RET gene, results from a C to G substitution at nucleotide position 104. The alanine at codon 35 is replaced by glycine, an amino acid with similar properties. This amino acid position is conserved. In addition, this alteration is predicted to be tolerated by in silico analysis. Since supporting evidence is limited at this time, the clinical significance of this alteration remains unclear.